The following is an entry in ClinVar:

ClinVar aggregate classification (germline): Uncertain significance (1 of 4 stars; one submission).

Conditions:
Peroxisome biogenesis disorder. Identifiers: Orphanet 79189, MedGen C1832200, MONDO:0019234. Disease mechanism: loss of function.

Submission:

Labcorp Genetics (formerly Invitae), Labcorp
Classification: Uncertain significance for Peroxisome biogenesis disorder. Last evaluated: 2022-07-19. Review status: criteria provided, single submitter. Criteria: Invitae Variant Classification Sherloc (09022015). Collection method: clinical testing. Allele origin: germline.
Comment: In summary, the available evidence is currently insufficient to determine the role of this variant in disease. Therefore, it has been classified as a Variant of Uncertain Significance. This variant disrupts the p.Ala912 amino acid residue in PEX6. Other variant(s) that disrupt this residue have been determined to be pathogenic (PMID: 26669662, 27779215; Invitae). This suggests that this residue is clinically significant, and that variants that disrupt this residue are likely to be disease-causing. Algorithms developed to predict the effect of missense changes on protein structure and function (SIFT, PolyPhen-2, Align-GVGD) all suggest that this variant is likely to be disruptive. This variant has not been reported in the literature in individuals affected with PEX6-related conditions. This variant is not present in population databases (gnomAD no frequency). This sequence change replaces alanine, which is neutral and non-polar, with serine, which is neutral and polar, at codon 912 of the PEX6 protein (p.Ala912Ser).

Literature cited by the submitters: PubMed 26669662; PubMed 27779215.

NM_000287.4(PEX6):c.2734G>T (p.Ala912Ser)

Gene: PEX6 (peroxisomal biogenesis factor 6; minus strand). Cytogenetic location: 6p21.1.
Variant type: single nucleotide variant.
Coding change: c.2734G>T on transcript NM_000287.4 (MANE Select); coding-DNA position 2734, G replaced by T.
Protein change: p.Ala912Ser; replaces alanine 912 with serine.
Molecular consequence: missense variant. On other transcripts: non-coding transcript variant (1).
Genome position (GRCh38, 1-based): chr6:42,964,862, C>A on the plus strand (G>T on the coding strand, the complement: PEX6 is on the minus strand). VCF-style: chr6-42964862-C-A. GRCh37 (hg19) VCF-style: chr6-42932600-C-A.
Other names: c.2470G>T, p.Ala824Ser (NM_001316313.2); short protein forms A824S, A912S.
Identifiers: ClinVar variation 2071500 (VCV002071500.4), dbSNP rs374549180, ClinGen allele CA364150322.